The following is an entry in ClinVar:

ClinVar aggregate classification (germline): Uncertain significance (1 of 4 stars; one submission).

gnomAD v4.1: 9 of 1,612,072 alleles (0.00056%); highest among the groups gnomAD compares: Non-Finnish European, 0.00076%; no homozygotes.

Submission:

Athena Diagnostics
Classification: Uncertain significance. Last evaluated: 2024-05-09. Review status: criteria provided, single submitter. Criteria: Athena Diagnostics Criteria. Collection method: clinical testing. Allele origin: unknown.
Comment: Available data are insufficient to determine the clinical significance of the variant at this time. The frequency of this variant in the general population is uninformative in assessment of its pathogenicity. Polyphen and MutationTaster predict this amino acid change may be benign.

NM_005529.7(HSPG2):c.8468C>G (p.Pro2823Arg)

Gene: HSPG2 (heparan sulfate proteoglycan 2; minus strand). Cytogenetic location: 1p36.12.
Variant type: single nucleotide variant.
Coding change: c.8468C>G on transcript NM_005529.7 (MANE Select); coding-DNA position 8468, C replaced by G.
Protein change: p.Pro2823Arg; replaces proline 2823 with arginine.
Molecular consequence: missense variant.
Genome position (GRCh38, 1-based): chr1:21,844,296, G>C on the plus strand (C>G on the coding strand, the complement: HSPG2 is on the minus strand). VCF-style: chr1-21844296-G-C. GRCh37 (hg19) VCF-style: chr1-22170789-G-C.
Other names: c.8471C>G, p.Pro2824Arg (NM_001291860.2); short protein forms P2824R, P2823R.
Identifiers: ClinVar variation 3571827 (VCV003571827.1).